The following is an entry in ClinVar:

ClinVar aggregate classification (germline): Uncertain significance (1 of 4 stars; one submission).

Submission:

Labcorp Genetics (formerly Invitae), Labcorp
Classification: Uncertain significance. Last evaluated: 2024-11-18. Review status: criteria provided, single submitter. Criteria: Invitae Variant Classification Sherloc (09022015). Collection method: clinical testing. Allele origin: germline.
Comment: This sequence change replaces glycine, which is neutral and non-polar, with serine, which is neutral and polar, at codon 624 of the GRIN2D protein (p.Gly624Ser). This variant is not present in population databases (gnomAD no frequency). This variant has not been reported in the literature in individuals affected with GRIN2D-related conditions. ClinVar contains an entry for this variant (Variation ID: 1719565). Invitae Evidence Modeling of protein sequence and biophysical properties (such as structural, functional, and spatial information, amino acid conservation, physicochemical variation, residue mobility, and thermodynamic stability) indicates that this missense variant is not expected to disrupt GRIN2D protein function with a negative predictive value of 80%. In summary, the available evidence is currently insufficient to determine the role of this variant in disease. Therefore, it has been classified as a Variant of Uncertain Significance.

NM_000836.4(GRIN2D):c.1870G>A (p.Gly624Ser)

Genes: GRIN2D (glutamate ionotropic receptor NMDA type subunit 2D; plus strand), LOC130064857 (ATAC-STARR-seq lymphoblastoid active region 14894; plus strand). Cytogenetic location: 19q13.33.
Variant type: single nucleotide variant.
Coding change: c.1870G>A on transcript NM_000836.4 (MANE Select); coding-DNA position 1870, G replaced by A.
Protein change: p.Gly624Ser; replaces glycine 624 with serine.
Molecular consequence: missense variant.
Genome position (GRCh38, 1-based): chr19:48,419,593, G>A. VCF-style: chr19-48419593-G-A. GRCh37 (hg19) VCF-style: chr19-48922850-G-A.
Other names: short protein forms G624S.
Identifiers: ClinVar variation 1719565 (VCV001719565.6), dbSNP rs1970992635, ClinGen allele CA406697630.